The following is an entry in ClinVar:

ClinVar aggregate classification (germline): Likely pathogenic (1 of 4 stars; one submission).

Conditions:
Autosomal recessive limb-girdle muscular dystrophy type 2J (LGMDR10). Also called: Limb-girdle muscular dystrophy, type 2J; MUSCULAR DYSTROPHY, LIMB-GIRDLE, AUTOSOMAL RECESSIVE 10. Identifiers: Orphanet 140922, MedGen C1837342, MONDO:0012127, OMIM 608807.
Dilated cardiomyopathy 1G (CMD1G). Identifiers: Orphanet 154, MedGen C1858763, MONDO:0011400, OMIM 604145.

Submission:

Labcorp Genetics (formerly Invitae), Labcorp
Classification: Likely pathogenic for Dilated cardiomyopathy 1G; Autosomal recessive limb-girdle muscular dystrophy type 2J. Last evaluated: 2025-12-03. Review status: criteria provided, single submitter. Criteria: Invitae Variant Classification Sherloc (09022015). Collection method: clinical testing. Allele origin: germline.
Comment: This sequence change creates a premature translational stop signal (p.Lys11281Argfs*63) in the TTN gene. While this is not anticipated to result in nonsense mediated decay, it is expected to create a truncated TTN protein. This variant is not present in population databases (gnomAD no frequency). This variant has not been reported in the literature in individuals affected with TTN-related conditions. This variant is located in the I band of TTN (PMID: 25589632). Truncating variants in this region have been reported in individuals affected with autosomal recessive centronuclear myopathy (PMID: 23975875, internal data). Truncating variants in this region have also been identified in individuals affected with autosomal dominant dilated cardiomyopathy and/or cardio-related conditions (PMID: 27869827, 32964742, internal data). In summary, the currently available evidence indicates that the variant is pathogenic, but additional data are needed to prove that conclusively. Therefore, this variant has been classified as Likely Pathogenic.

Literature cited by the submitters: PubMed 25589632; PubMed 23975875; PubMed 27869827; PubMed 32964742.

NM_001267550.2(TTN):c.33840del (p.Lys11281fs)

Gene: TTN (titin; minus strand). Cytogenetic location: 2q31.2.
Variant type: Deletion.
Coding change: c.33840del on transcript NM_001267550.2 (MANE Select); coding-DNA position 33840, one base deleted (C; older notation c.33840delC).
Protein change: p.Lys11281fs; shifts the reading frame from lysine 11281.
Molecular consequence: frameshift variant. On other transcripts: intron variant (3).
Genome position (GRCh38, 1-based): chr2:178,678,484, G deleted on the plus strand (C on the coding strand, the reverse complement: TTN is on the minus strand); the first of 3 consecutive G bases (chr2:178,678,484-178,678,486); deleting any one gives the same sequence. VCF-style (leftmost placement, unchanged base first): chr2-178678483-TG-T. GRCh37 (hg19) VCF-style: chr2-179543210-TG-T.
Other names: c.32889del, p.Lys10964fs (NM_001256850.1); c.30108del, p.Lys10037fs (NM_133378.4); c.13283-36167del (NM_003319.4); c.13859-36167del (NM_133437.4); c.13658-36167del (NM_133432.3); short protein forms K11281fs, K10964fs, K10037fs.
Identifiers: ClinVar variation 4786847 (VCV004786847.1).